The following is an entry in ClinVar:

NM_002317.7(LOX):c.1222T>C (p.Tyr408His)

Genes: LOX (lysyl oxidase; minus strand), SRFBP1 (serum response factor binding protein 1; plus strand). Cytogenetic location: 5q23.1.
Variant type: single nucleotide variant.
Coding change: c.1222T>C on transcript NM_002317.7 (MANE Select); coding-DNA position 1222, T replaced by C.
Protein change: p.Tyr408His; replaces tyrosine 408 with histidine.
Molecular consequence: missense variant.
Genome position (GRCh38, 1-based): chr5:122,070,078, A>G on the plus strand (T>C on the coding strand, the complement: LOX is on the minus strand). VCF-style: chr5-122070078-A-G. GRCh37 (hg19) VCF-style: chr5-121405773-A-G.
Other names: c.532T>C, p.Tyr178His (NM_001178102.2); c.331T>C, p.Tyr111His (NM_001317073.1); c.1222T>C (NM_002317.6); short protein forms Y408H, Y111H, Y178H.
Identifiers: ClinVar variation 547513 (VCV000547513.12), dbSNP rs765126342, ClinGen allele CA3383813.

ClinVar aggregate classification (germline): Conflicting classifications of pathogenicity. Review status: criteria provided, conflicting classifications (1 of 4 stars). 4 submissions from 4 submitters: Uncertain significance (3); Likely benign (1). Last evaluated 2026-09-11.

Conditions:
Connective tissue disorder. Also called: Connective tissue disease. Identifiers: MedGen C0009782, MONDO:0003900.
Cardiovascular phenotype. Identifiers: MedGen CN230736.

Allele frequency attached by ClinVar (database versions not stated): TOPMed 0.00002; gnomAD 0.00004; ExAC 0.00004; gnomAD exomes 0.00004 and 0.00006.
gnomAD v4.1: 75 of 1,612,400 alleles (0.0047%); highest among the groups gnomAD compares: Non-Finnish European, 0.0038%; no homozygotes.

Submissions (4):

GeneDx
Classification: Uncertain significance. Last evaluated: 2026-09-11. Review status: criteria provided, single submitter. Criteria: GeneDx Variant Classification Process June 2021. Collection method: clinical testing. Allele origin: germline.
Comment: Has not been previously published as pathogenic or benign to our knowledge; In silico analysis suggests that this missense variant does not alter protein structure/function

Labcorp Genetics (formerly Invitae), Labcorp
Classification: Likely benign. Last evaluated: 2026-01-27. Review status: criteria provided, single submitter. Criteria: Invitae Variant Classification Sherloc (09022015). Collection method: clinical testing. Allele origin: germline.

Ambry Genetics
Classification: Uncertain significance for Cardiovascular phenotype. Last evaluated: 2025-07-10. Review status: criteria provided, single submitter. Criteria: Ambry Variant Classification Scheme 2023. Collection method: clinical testing. Allele origin: germline.
Comment: The p.Y408H variant (also known as c.1222T>C), located in coding exon 6 of the LOX gene, results from a T to C substitution at nucleotide position 1222. The tyrosine at codon 408 is replaced by histidine, an amino acid with similar properties. This amino acid position is conserved. In addition, this alteration is predicted to be tolerated by in silico analysis. Since supporting evidence is limited at this time, the clinical significance of this alteration remains unclear.

Center for Human Genetics, Inc
Classification: Uncertain significance for Connective tissue disorder. Last evaluated: 2016-11-01. Review status: criteria provided, single submitter. Criteria: ACMG Guidelines, 2015. Collection method: clinical testing. Allele origin: germline. Affected: yes.